The following is an entry in ClinVar:

ClinVar aggregate classification (germline): Uncertain significance (1 of 4 stars; one submission).

Conditions:
Retinitis pigmentosa 14 (RP14). Also called: RETINITIS PIGMENTOSA, JUVENILE, TULP1-RELATED. Identifiers: Orphanet 791, MedGen C1838603, MONDO:0010827, OMIM 600132.
Leber congenital amaurosis 15 (LCA15). Identifiers: Orphanet 65, MedGen C3151206, MONDO:0013457, OMIM 613843.

Submission:

Genetic Diseases Diagnosis Center, Ankara Bilkent City Hospital
Classification: Uncertain significance for Retinitis pigmentosa 14; Leber congenital amaurosis 15. Last evaluated: 2026-02-04. Review status: criteria provided, single submitter. Criteria: ACMG Guidelines, 2015. Collection method: clinical testing. Allele origin: germline. Inheritance: Autosomal recessive inheritance. Affected: yes. Observed: 1 homozygote.
Comment: The variant TULP1 (NM_001289395.2): c.1378G>C (p.Ala460Pro) is a missense variant. This variant is absent from population databases, including gnomAD and other large-scale control cohorts, fulfilling PM2 (moderate evidence of pathogenicity). TULP1 is a gene in which missense variants are a common disease mechanism, and benign missense variation is relatively uncommon, supporting PP2 (supporting evidence). Multiple in silico prediction tools predict a deleterious effect of this variant on protein function, supporting PP3 (supporting evidence). Based on the ACMG/AMP guidelines, the combination of PM2 + PP2 + PP3 supports classification of this variant as a Variant of Uncertain Significance (VUS).

NM_003322.6(TULP1):c.1537G>C (p.Ala513Pro)

Gene: TULP1 (TUB like protein 1; minus strand). Cytogenetic location: 6p21.31.
Variant type: single nucleotide variant.
Coding change: c.1537G>C on transcript NM_003322.6 (MANE Select); coding-DNA position 1537, G replaced by C.
Protein change: p.Ala513Pro; replaces alanine 513 with proline.
Molecular consequence: missense variant.
Genome position (GRCh38, 1-based): chr6:35,498,419, C>G on the plus strand (G>C on the coding strand, the complement: TULP1 is on the minus strand). VCF-style: chr6-35498419-C-G. GRCh37 (hg19) VCF-style: chr6-35466196-C-G.
Other names: p.A460P; c.1378G>C, p.Ala460Pro (NM_001289395.2); short protein forms A460P, A513P.
Identifiers: ClinVar variation 4755400 (VCV004755400.1).